The following is an entry in ClinVar:

NM_006017.3(PROM1):c.611T>G (p.Leu204Arg)

Gene: PROM1 (prominin 1; minus strand). Cytogenetic location: 4p15.32.
Variant type: single nucleotide variant.
Coding change: c.611T>G on transcript NM_006017.3 (MANE Select); coding-DNA position 611, T replaced by G.
Protein change: p.Leu204Arg; replaces leucine 204 with arginine.
Molecular consequence: missense variant.
Genome position (GRCh38, 1-based): chr4:16,025,211, A>C on the plus strand (T>G on the coding strand, the complement: PROM1 is on the minus strand). VCF-style: chr4-16025211-A-C. GRCh37 (hg19) VCF-style: chr4-16026834-A-C.
Other names: c.584T>G, p.Leu195Arg (NM_001145847.2, NM_001145848.2, NM_001145851.2 and 4 more transcripts); c.611T>G, p.Leu204Arg (NM_001145849.2, NM_001145850.2); short protein forms L195R, L204R.
Identifiers: ClinVar variation 3425618 (VCV003425618.3).

ClinVar aggregate classification (germline): Uncertain significance. Review status: criteria provided, multiple submitters, no conflicts (2 of 4 stars). 2 submissions from 2 submitters: Uncertain significance (2). Last evaluated 2024-11-19.

Conditions:
Inborn genetic diseases. Identifiers: MedGen C0950123, MeSH D030342.

gnomAD v4.1: 9 of 1,613,800 alleles (0.00056%); highest among the groups gnomAD compares: African/African-American, 0.012%; no homozygotes.

Submissions (2):

Labcorp Genetics (formerly Invitae), Labcorp
Classification: Uncertain significance. Last evaluated: 2024-11-19. Review status: criteria provided, single submitter. Criteria: Invitae Variant Classification Sherloc (09022015). Collection method: clinical testing. Allele origin: germline.
Comment: This sequence change replaces leucine, which is neutral and non-polar, with arginine, which is basic and polar, at codon 204 of the PROM1 protein (p.Leu204Arg). This variant is present in population databases (no rsID available, gnomAD 0.05%). This variant has not been reported in the literature in individuals affected with PROM1-related conditions. Invitae Evidence Modeling of protein sequence and biophysical properties (such as structural, functional, and spatial information, amino acid conservation, physicochemical variation, residue mobility, and thermodynamic stability) indicates that this missense variant is expected to disrupt PROM1 protein function with a positive predictive value of 80%. In summary, the available evidence is currently insufficient to determine the role of this variant in disease. Therefore, it has been classified as a Variant of Uncertain Significance.

Ambry Genetics
Classification: Uncertain significance for Inborn genetic diseases. Last evaluated: 2024-10-08. Review status: criteria provided, single submitter. Criteria: Ambry Variant Classification Scheme 2023. Collection method: clinical testing. Allele origin: germline.